The following is an entry in ClinVar:

NM_020831.6(MRTFA):c.374A>G (p.Tyr125Cys)

Gene: MRTFA (myocardin related transcription factor A; minus strand). Cytogenetic location: 22q13.1.
Variant type: single nucleotide variant.
Coding change: c.374A>G on transcript NM_020831.6 (MANE Select); coding-DNA position 374, A replaced by G.
Protein change: p.Tyr125Cys; replaces tyrosine 125 with cysteine.
Molecular consequence: missense variant.
Genome position (GRCh38, 1-based): chr22:40,431,470, T>C on the plus strand (A>G on the coding strand, the complement: MRTFA is on the minus strand). VCF-style: chr22-40431470-T-C. GRCh37 (hg19) VCF-style: chr22-40827474-T-C.
Other names: c.74A>G, p.Tyr25Cys (NM_001282660.2); c.374A>G, p.Tyr125Cys (NM_001282661.3, NM_001282662.3); c.179A>G, p.Tyr60Cys (NM_001318139.2); short protein forms Y125C, Y25C, Y60C.
Identifiers: ClinVar variation 2796448 (VCV002796448.3), dbSNP rs1260459717, ClinGen allele CA411669471.

ClinVar aggregate classification (germline): Uncertain significance (1 of 4 stars; one submission).

Allele frequency attached by ClinVar (database versions not stated): gnomAD exomes below 0.00001.

Submission:

Labcorp Genetics (formerly Invitae), Labcorp
Classification: Uncertain significance. Last evaluated: 2023-06-24. Review status: criteria provided, single submitter. Criteria: Invitae Variant Classification Sherloc (09022015). Collection method: clinical testing. Allele origin: germline.
Comment: In summary, the available evidence is currently insufficient to determine the role of this variant in disease. Therefore, it has been classified as a Variant of Uncertain Significance. An algorithm developed to predict the effect of missense changes on protein structure and function (PolyPhen-2) suggests that this variant is likely to be disruptive. This variant has not been reported in the literature in individuals affected with MKL1-related conditions. This variant is present in population databases (no rsID available, gnomAD 0.0009%). This sequence change replaces tyrosine, which is neutral and polar, with cysteine, which is neutral and slightly polar, at codon 25 of the MKL1 protein (p.Tyr25Cys).